The following is an entry in ClinVar:

NM_000532.5(PCCB):c.703A>G (p.Thr235Ala)

Gene: PCCB (propionyl-CoA carboxylase subunit beta; plus strand). Cytogenetic location: 3q22.3.
Variant type: single nucleotide variant.
Coding change: c.703A>G on transcript NM_000532.5 (MANE Select); coding-DNA position 703, A replaced by G.
Protein change: p.Thr235Ala; replaces threonine 235 with alanine.
Molecular consequence: missense variant.
Genome position (GRCh38, 1-based): chr3:136,293,804, A>G. VCF-style: chr3-136293804-A-G. GRCh37 (hg19) VCF-style: chr3-136012646-A-G.
Other names: c.703A>G (NM_000532.4); c.763A>G, p.Thr255Ala (NM_001178014.2); short protein forms T235A, T255A.
Identifiers: ClinVar variation 2162772 (VCV002162772.2), dbSNP rs1021206121, ClinGen allele CA83793903.

ClinVar aggregate classification (germline): Uncertain significance. Review status: criteria provided, multiple submitters, no conflicts (2 of 4 stars). 2 submissions from 2 submitters: Uncertain significance (2). Last evaluated 2025-09-05.

Conditions:
Inborn genetic diseases. Identifiers: MedGen C0950123, MeSH D030342.
Propionic acidemia (PROP). Also called: GLYCINEMIA, KETOTIC; HYPERGLYCINEMIA WITH KETOACIDOSIS AND LEUKOPENIA; KETOTIC HYPERGLYCINEMIA. Identifiers: Orphanet 35, MedGen C0268579, MONDO:0011628, OMIM 606054, HP:0003571.

Allele frequency attached by ClinVar (database versions not stated): gnomAD exomes below 0.00001; TOPMed 0.00003; gnomAD 0.00004.
gnomAD v4.1: 11 of 1,613,326 alleles (0.00068%); highest among the groups gnomAD compares: African/African-American, 0.011%; no homozygotes.

Submissions (2):

Ambry Genetics
Classification: Uncertain significance for Inborn genetic diseases. Last evaluated: 2025-09-05. Review status: criteria provided, single submitter. Criteria: Ambry Variant Classification Scheme 2023. Collection method: clinical testing. Allele origin: germline.

Labcorp Genetics (formerly Invitae), Labcorp
Classification: Uncertain significance for Propionic acidemia. Last evaluated: 2022-03-14. Review status: criteria provided, single submitter. Criteria: Invitae Variant Classification Sherloc (09022015). Collection method: clinical testing. Allele origin: germline.
Comment: This sequence change replaces threonine, which is neutral and polar, with alanine, which is neutral and non-polar, at codon 235 of the PCCB protein (p.Thr235Ala). This variant is present in population databases (no rsID available, gnomAD 0.01%). This variant has not been reported in the literature in individuals affected with PCCB-related conditions. Advanced modeling of protein sequence and biophysical properties (such as structural, functional, and spatial information, amino acid conservation, physicochemical variation, residue mobility, and thermodynamic stability) performed at Invitae indicates that this missense variant is expected to disrupt PCCB protein function. In summary, the available evidence is currently insufficient to determine the role of this variant in disease. Therefore, it has been classified as a Variant of Uncertain Significance.